The following is an entry in ClinVar:

NM_000051.4(ATM):c.3292C>G (p.Gln1098Glu)

Gene: ATM (ATM serine/threonine kinase; plus strand). Cytogenetic location: 11q22.3.
Variant type: single nucleotide variant.
Coding change: c.3292C>G on transcript NM_000051.4 (MANE Select); coding-DNA position 3292, C replaced by G.
Protein change: p.Gln1098Glu; replaces glutamine 1098 with glutamic acid.
Molecular consequence: missense variant.
Genome position (GRCh38, 1-based): chr11:108,279,498, C>G. VCF-style: chr11-108279498-C-G. GRCh37 (hg19) VCF-style: chr11-108150225-C-G.
Other names: c.3292C>G, p.Gln1098Glu (NM_001351834.2); short protein forms Q1098E.
Identifiers: ClinVar variation 481334 (VCV000481334.13), dbSNP rs773964990, ClinGen allele CA382517285.

ClinVar aggregate classification (germline): Uncertain significance. Review status: criteria provided, multiple submitters, no conflicts (2 of 4 stars). 2 submissions from 2 submitters: Uncertain significance (2). Last evaluated 2022-03-09.

Conditions:
Hereditary cancer-predisposing syndrome. Also called: Hereditary neoplastic syndrome; Neoplastic Syndromes, Hereditary; Tumor predisposition; Hereditary Cancer Syndrome. Identifiers: Orphanet 140162, MedGen C0027672, MeSH D009386, MONDO:0015356.
Ataxia-telangiectasia syndrome (AT). Also called: LOUIS-BAR SYNDROME; Cerebello-oculocutaneous telangiectasia; Immunodeficiency with ataxia telangiectasia; AT, COMPLEMENTATION GROUP C; Ataxia-telangiectasia, complementation group D; ATAXIA-TELANGIECTASIA, COMPLEMENTATION GROUP A. Identifiers: Orphanet 100, MedGen C0004135, MONDO:0008840, OMIM 208900.

Submissions (2):

Ambry Genetics
Classification: Uncertain significance for Hereditary cancer-predisposing syndrome. Last evaluated: 2022-03-09. Review status: criteria provided, single submitter. Criteria: Ambry Variant Classification Scheme 2023. Collection method: clinical testing. Allele origin: germline.
Comment: The p.Q1098E variant (also known as c.3292C>G), located in coding exon 22 of the ATM gene, results from a C to G substitution at nucleotide position 3292. The glutamine at codon 1098 is replaced by glutamic acid, an amino acid with highly similar properties. This amino acid position is well conserved in available vertebrate species. In addition, this alteration is predicted to be tolerated by in silico analysis. Since supporting evidence is limited at this time, the clinical significance of this alteration remains unclear.

Labcorp Genetics (formerly Invitae), Labcorp
Classification: Uncertain significance for Ataxia-telangiectasia syndrome. Last evaluated: 2021-05-08. Review status: criteria provided, single submitter. Criteria: Invitae Variant Classification Sherloc (09022015). Collection method: clinical testing. Allele origin: germline.
Comment: This sequence change replaces glutamine with glutamic acid at codon 1098 of the ATM protein (p.Gln1098Glu). The glutamine residue is moderately conserved and there is a small physicochemical difference between glutamine and glutamic acid. This variant is not present in population databases (ExAC no frequency). This variant has not been reported in the literature in individuals with ATM-related conditions. ClinVar contains an entry for this variant (Variation ID: 481334). Advanced modeling of protein sequence and biophysical properties (such as structural, functional, and spatial information, amino acid conservation, physicochemical variation, residue mobility, and thermodynamic stability) performed at Invitae indicates that this missense variant is not expected to disrupt ATM protein function. In summary, the available evidence is currently insufficient to determine the role of this variant in disease. Therefore, it has been classified as a Variant of Uncertain Significance.